The following is an entry in ClinVar:

ClinVar aggregate classification (germline): Conflicting classifications of pathogenicity. Review status: criteria provided, conflicting classifications (1 of 4 stars). 3 submissions from 3 submitters: Uncertain significance (1); Likely benign (1). 1 of the submissions does not count toward it. Last evaluated 2026-01-18.

Conditions:
Spastic paraplegia. Identifiers: MedGen C0037772, HP:0001258.
Charlevoix-Saguenay spastic ataxia (SACS). Also called: Spastic ataxia of Charlevoix-Saguenay; SPASTIC ATAXIA 6, AUTOSOMAL RECESSIVE; AUTOSOMAL RECESSIVE SPASTIC ATAXIA OF CHARLEVOIX-SAGUENAY. Identifiers: Orphanet 98, MedGen C1849140, MONDO:0010041, OMIM 270550.
SACS-related disorder. Also called: SACS-related condition.

Allele frequency attached by ClinVar (database versions not stated): TOPMed 0.00003; gnomAD 0.00004; gnomAD exomes 0.00006 and 0.00011; ExAC 0.00007; ESP Exome Variant Server 0.00008.
gnomAD v4.1: 162 of 1,613,836 alleles (0.01%); highest among the groups gnomAD compares: Non-Finnish European, 0.012%; no homozygotes.

Submissions (3):

Labcorp Genetics (formerly Invitae), Labcorp
Classification: Likely benign for Spastic paraplegia. Last evaluated: 2026-01-18. Review status: criteria provided, single submitter. Criteria: Invitae Variant Classification Sherloc (09022015). Collection method: clinical testing. Allele origin: germline.

PreventionGenetics, part of Exact Sciences
Classification: Uncertain significance for SACS-related condition. Last evaluated: 2025-03-10. Review status: criteria provided, single submitter. Criteria: ACMG Guidelines, 2015. Collection method: clinical testing. Allele origin: germline.
Comment: The SACS c.3551C>G variant is predicted to result in the amino acid substitution p.Pro1184Arg. To our knowledge, this variant has not been reported in the literature. This variant is reported in 0.020% of alleles in individuals of European (Finnish) descent in gnomAD. Although we suspect that this variant may be benign, at this time, the clinical significance of this variant is uncertain due to the absence of conclusive functional and genetic evidence.

Natera, Inc.
Classification: Uncertain significance for Charlevoix-Saguenay type spastic ataxia. Last evaluated: 2020-02-12. Review status: no assertion criteria provided. Collection method: clinical testing. Allele origin: germline. Not counted in ClinVar's aggregate classification.

NM_014363.6(SACS):c.3551C>G (p.Pro1184Arg)

Gene: SACS (sacsin molecular chaperone; minus strand). Cytogenetic location: 13q12.12.
Variant type: single nucleotide variant.
Coding change: c.3551C>G on transcript NM_014363.6 (MANE Select); coding-DNA position 3551, C replaced by G.
Protein change: p.Pro1184Arg; replaces proline 1184 with arginine.
Molecular consequence: missense variant.
Genome position (GRCh38, 1-based): chr13:23,340,325, G>C on the plus strand (C>G on the coding strand, the complement: SACS is on the minus strand). VCF-style: chr13-23340325-G-C. GRCh37 (hg19) VCF-style: chr13-23914464-G-C.
Other names: c.3110C>G, p.Pro1037Arg (NM_001278055.2); short protein forms P1037R, P1184R.
Identifiers: ClinVar variation 972058 (VCV000972058.8), dbSNP rs374961109, ClinGen allele CA6911507.